The following is an entry in ClinVar:

NM_017491.5(WDR1):c.1324G>C (p.Asp442His)

Gene: WDR1 (WD repeat domain 1; minus strand). Cytogenetic location: 4p16.1.
Variant type: single nucleotide variant.
Coding change: c.1324G>C on transcript NM_017491.5 (MANE Select); coding-DNA position 1324, G replaced by C.
Protein change: p.Asp442His; replaces aspartic acid 442 with histidine.
Molecular consequence: missense variant.
Genome position (GRCh38, 1-based): chr4:10,078,962, C>G on the plus strand (G>C on the coding strand, the complement: WDR1 is on the minus strand). VCF-style: chr4-10078962-C-G. GRCh37 (hg19) VCF-style: chr4-10080586-C-G.
Other names: c.904G>C, p.Asp302His (NM_005112.5); short protein forms D302H, D442H.
Identifiers: ClinVar variation 2498951 (VCV002498951.28), dbSNP rs574205889, ClinGen allele CA356357645.

ClinVar aggregate classification (germline): Uncertain significance (1 of 4 stars; one submission).

gnomAD v4.1: 5 of 1,612,284 alleles (0.00031%); highest among the groups gnomAD compares: Middle Eastern, 0.05%; no homozygotes.

Submission:

CeGaT Center for Human Genetics Tuebingen
Classification: Uncertain significance. Last evaluated: 2023-01-01. Review status: criteria provided, single submitter. Criteria: CeGaT Center For Human Genetics Tuebingen Variant Classification Criteria Version 2. Collection method: clinical testing. Allele origin: germline. Affected: yes. Observed: 1 variant allele.
Comment: WDR1: PM2